The following is an entry in ClinVar:

NM_018297.4(NGLY1):c.538C>G (p.Gln180Glu)

Gene: NGLY1 (N-glycanase 1; minus strand). Cytogenetic location: 3p24.2.
Variant type: single nucleotide variant.
Coding change: c.538C>G on transcript NM_018297.4 (MANE Select); coding-DNA position 538, C replaced by G.
Protein change: p.Gln180Glu; replaces glutamine 180 with glutamic acid.
Molecular consequence: missense variant.
Genome position (GRCh38, 1-based): chr3:25,751,218, G>C on the plus strand (C>G on the coding strand, the complement: NGLY1 is on the minus strand). VCF-style: chr3-25751218-G-C. GRCh37 (hg19) VCF-style: chr3-25792709-G-C.
Other names: c.538C>G, p.Gln180Glu (NM_001145293.2, NM_001145295.2); c.412C>G, p.Gln138Glu (NM_001145294.2); short protein forms Q138E, Q180E.
Identifiers: ClinVar variation 1416270 (VCV001416270.5), dbSNP rs749482225, ClinGen allele CA2289453.
Genomic context (GRCh38, chr3:25,751,218, plus strand): 5'-CCGGAATACAAGCCAACGCTTTCTCCTGAAGAGCAGGATTTTCATAGACCAGCACATGCT[G>C]AATGTTGGACTGAAGAACTTCTAGAATGGCTGAGTCAGCAGCAACCTAATAGGAAAAAAA-3'
Protein context (NP_060767.2, residues 170-190): AILEVLQSNI[Gln180Glu]HVLVYENPAL

ClinVar aggregate classification (germline): Uncertain significance (1 of 4 stars; one submission).

Conditions:
Congenital disorder of deglycosylation (CDDG). Identifiers: MedGen C3808991, MONDO:0031376.

Allele frequency attached by ClinVar (database versions not stated): TOPMed below 0.00001; ExAC 0.00001; gnomAD 0.00001; gnomAD exomes 0.00001.
gnomAD v4.1: 8 of 1,610,310 alleles (0.0005%); highest among the groups gnomAD compares: East Asian, 0.0022%; no homozygotes.

Submission:

Labcorp Genetics (formerly Invitae), Labcorp
Classification: Uncertain significance for Congenital disorder of deglycosylation. Last evaluated: 2021-09-01. Review status: criteria provided, single submitter. Criteria: Invitae Variant Classification Sherloc (09022015). Collection method: clinical testing. Allele origin: germline.
Comment: This sequence change replaces glutamine with glutamic acid at codon 180 of the NGLY1 protein (p.Gln180Glu). The glutamine residue is moderately conserved and there is a small physicochemical difference between glutamine and glutamic acid. This variant is present in population databases (rs749482225, ExAC 0.002%). This variant has not been reported in the literature in individuals affected with NGLY1-related conditions. Algorithms developed to predict the effect of missense changes on protein structure and function output the following: SIFT: "Tolerated"; PolyPhen-2: "Benign"; Align-GVGD: "Class C0". The glutamic acid amino acid residue is found in multiple mammalian species, which suggests that this missense change does not adversely affect protein function. In summary, the available evidence is currently insufficient to determine the role of this variant in disease. Therefore, it has been classified as a Variant of Uncertain Significance.